The following is an entry in ClinVar:

NM_014588.6(VSX1):c.81C>T (p.Arg27=)

Gene: VSX1 (visual system homeobox 1; minus strand). Cytogenetic location: 20p11.21.
Variant type: single nucleotide variant.
Coding change: c.81C>T on transcript NM_014588.6 (MANE Select); coding-DNA position 81, C replaced by T.
Protein change: p.Arg27=; no amino-acid change (arginine 27 retained).
Molecular consequence: synonymous variant. On other transcripts: non-coding transcript variant (2).
Genome position (GRCh38, 1-based): chr20:25,082,016, G>A on the plus strand (C>T on the coding strand, the complement: VSX1 is on the minus strand). VCF-style: chr20-25082016-G-A. GRCh37 (hg19) VCF-style: chr20-25062652-G-A.
Other names: c.81C>T, p.Arg27= (NM_001256271.2, NM_001256272.2, NM_199425.3); c.81C>T (NM_014588.4).
Identifiers: ClinVar variation 895608 (VCV000895608.15), dbSNP rs566762847, ClinGen allele CA9793701.

ClinVar aggregate classification (germline): Benign/Likely benign. Review status: criteria provided, multiple submitters, no conflicts (2 of 4 stars). 5 submissions from 5 submitters: Benign (2); Likely benign (2). 1 of the submissions does not count toward it. Last evaluated 2025-12-01.

Conditions:
Inborn genetic diseases. Identifiers: MedGen C0950123, MeSH D030342.
VSX1-related disorder. Also called: VSX1-related condition.
Posterior polymorphous corneal dystrophy. Also called: Polymorphous corneal dystrophy; CORNEAL DYSTROPHY, HEREDITARY POLYMORPHOUS POSTERIOR. Identifiers: Orphanet 98973, MedGen C0339284, MONDO:0020364, HP:0007915.

Allele frequency attached by ClinVar (database versions not stated): gnomAD exomes 0.00026 and 0.00099; gnomAD 0.00036 and 0.00050; ExAC 0.00037; TOPMed 0.00057; 1000 Genomes Project 0.00120; 1000 Genomes Project 30x 0.00234.
gnomAD v4.1: 438 of 1,535,332 alleles (0.029%); highest among the groups gnomAD compares: East Asian, 0.95%; 4 homozygotes.

Submissions (5):

CeGaT Center for Human Genetics Tuebingen
Classification: Likely benign. Last evaluated: 2025-12-01. Review status: criteria provided, single submitter. Criteria: CeGaT Center For Human Genetics Tuebingen Variant Classification Criteria Version 2. Collection method: clinical testing. Allele origin: germline. Affected: yes. Observed: 1 variant allele.
Comment: VSX1: BP4, BP7

Ambry Genetics
Classification: Likely benign for Inborn genetic diseases. Last evaluated: 2023-12-22. Review status: criteria provided, single submitter. Criteria: Ambry Variant Classification Scheme 2023. Collection method: clinical testing. Allele origin: germline.

Labcorp Genetics (formerly Invitae), Labcorp
Classification: Benign. Last evaluated: 2023-12-04. Review status: criteria provided, single submitter. Criteria: Invitae Variant Classification Sherloc (09022015). Collection method: clinical testing. Allele origin: germline.

Illumina Laboratory Services, Illumina
Classification: Benign for Polymorphous corneal dystrophy. Last evaluated: 2018-04-20. Review status: criteria provided, single submitter. Criteria: ICSL Variant Classification Criteria 13 December 2019. Collection method: clinical testing. Allele origin: germline.
Comment: This variant was observed in the ICSL laboratory as part of a predisposition screen in an ostensibly healthy population. It had not been previously curated by ICSL or reported in the Human Gene Mutation Database (HGMD: prior to June 1st, 2018), and was therefore a candidate for classification through an automated scoring system. Utilizing variant allele frequency, disease prevalence and penetrance estimates, and inheritance mode, an automated score was calculated to assess if this variant is too frequent to cause the disease. Based on the score and internal cut-off values, a variant classified as benign is not then subjected to further curation. The score for this variant resulted in a classification of benign for this disease.

PreventionGenetics, part of Exact Sciences
Classification: Benign for VSX1-related condition. Last evaluated: 2024-01-05. Review status: no assertion criteria provided. Collection method: clinical testing. Allele origin: germline. Not counted in ClinVar's aggregate classification.
Comment: This variant is classified as benign based on ACMG/AMP sequence variant interpretation guidelines (Richards et al. 2015 PMID: 25741868, with internal and published modifications).